The following is an entry in ClinVar:

ClinVar aggregate classification (germline): Pathogenic/Likely pathogenic. Review status: criteria provided, multiple submitters, no conflicts (2 of 4 stars). 2 submissions from 2 submitters: Pathogenic (1); Likely pathogenic (1). Last evaluated 2025-03-27.

Conditions:
Leber congenital amaurosis (LCA). Also called: Leber's amaurosis. Identifiers: Orphanet 65, MedGen C0339527, MeSH D057130, MONDO:0018998.
RPGRIP1-related disorder. Also called: RPGRIP1-related condition.

Submissions (2):

Women's Health and Genetics/Laboratory Corporation of America, LabCorp
Classification: Pathogenic for Leber congenital amaurosis. Last evaluated: 2025-03-27. Review status: criteria provided, single submitter. Criteria: LabCorp Variant Classification Summary - May 2015. Collection method: clinical testing. Allele origin: germline.
Comment: Variant summary: RPGRIP1 c.2976_2979delAAAG (p.Lys993ArgfsX7) results in a premature termination codon, predicted to cause a truncation of the encoded protein or absence of the protein due to nonsense mediated decay, which are commonly known mechanisms for disease. The variant allele was found at a frequency of 4e-06 in 249152 control chromosomes (gnomAD). To our knowledge, no occurrence of c.2976_2979delAAAG in individuals affected with Leber Congenital Amaurosis and no experimental evidence demonstrating its impact on protein function have been reported. No submitters have cited clinical-significance assessments for this variant to ClinVar. Based on the evidence outlined above, the variant was classified as pathogenic.

Blueprint Genetics
Classification: Likely pathogenic for RPGRIP1-related disorders. Last evaluated: 2018-11-19. Review status: criteria provided, single submitter. Criteria: ACMG Guidelines, 2015. Collection method: clinical testing. Allele origin: germline. Affected: yes. Observed: 2 variant alleles.

NM_020366.4(RPGRIP1):c.2976_2979del (p.Lys993fs)

Gene: RPGRIP1 (RPGR interacting protein 1; plus strand). Cytogenetic location: 14q11.2.
Variant type: Microsatellite.
Coding change: c.2976_2979del on transcript NM_020366.4 (MANE Select); coding-DNA positions 2976 to 2979, 4 bases deleted (AAAG; older notation c.2976_2979delAAAG).
Protein change: p.Lys993fs; shifts the reading frame from lysine 993.
Molecular consequence: frameshift variant.
Genome position (GRCh38, 1-based): chr14:21,328,504-21,328,507, AAAG deleted; deleting any 4 consecutive bases within chr14:21,328,498-21,328,507 gives the same sequence; the c. name uses the placement nearest the transcript's 3' end. VCF-style (leftmost placement, unchanged base first): chr14-21328497-GAGAA-G. GRCh37 (hg19) VCF-style: chr14-21796656-GAGAA-G.
Other names: c.954_957del, p.Lys319fs (NM_001377523.1, NM_001377950.1); c.1902_1905del, p.Lys635fs (NM_001377948.1); c.1062_1065del, p.Lys355fs (NM_001377949.1); c.456_459del, p.Lys153fs (NM_001377951.1); c.2976_2979delAAAG (NM_020366.4); short protein forms K153fs, K319fs, K355fs, K635fs, K993fs.
Identifiers: ClinVar variation 3895910 (VCV003895910.2).